The following is an entry in ClinVar:

ClinVar aggregate classification (germline): Pathogenic (1 of 4 stars; one submission).

Conditions:
Neurofibromatosis, type 1 (NF1). Also called: NEUROFIBROMATOSIS, TYPE I, SOMATIC; Peripheral type neurofibromatosis; Neurofibromatosis, type I; VON RECKLINGHAUSEN DISEASE. Identifiers: Orphanet 636, MedGen C0027831, MONDO:0018975, OMIM 162200. Disease mechanism: loss of function.

Submission:

Labcorp Genetics (formerly Invitae), Labcorp
Classification: Pathogenic for Neurofibromatosis, type 1. Last evaluated: 2024-12-22. Review status: criteria provided, single submitter. Criteria: Invitae Variant Classification Sherloc (09022015). Collection method: clinical testing. Allele origin: germline.
Comment: This variant, c.2675_2686del, is a complex sequence change that results in the deletion of 5 and insertion of 1 amino acid(s) in the NF1 protein (p.Ser892_Asp896delinsAsn). This variant is not present in population databases (gnomAD no frequency). This variant has been observed in individual(s) with neurofibromatosis type I (internal data). This variant disrupts a region of the NF1 protein in which other variant(s) (p.Phe894Ser) have been determined to be pathogenic (PMID: 17914445; internal data). This suggests that this is a clinically significant region of the protein, and that variants that disrupt it are likely to be disease-causing. For these reasons, this variant has been classified as Pathogenic.

Literature cited by the submitters: PubMed 17914445.

NM_001042492.3(NF1):c.2675_2686del (p.Ser892_Asp896delinsAsn)

Gene: NF1 (neurofibromin 1; plus strand). Cytogenetic location: 17q11.2.
Variant type: Deletion.
Coding change: c.2675_2686del on transcript NM_001042492.3 (MANE Select); coding-DNA positions 2675 to 2686, 12 bases deleted (GCAAATTTATGG).
Protein change: p.Ser892_Asp896delinsAsn.
Molecular consequence: inframe indel.
Genome position (GRCh38, 1-based): chr17:31,229,290-31,229,301, GCAAATTTATGG deleted. VCF-style (leftmost placement, unchanged base first): chr17-31229289-AGCAAATTTATGG-A. GRCh37 (hg19) VCF-style: chr17-29556307-AGCAAATTTATGG-A.
Other names: c.2675_2686delGCAAATTTATGG, p.Ser892_Asp896delinsAsn (NM_000267.4).
Identifiers: ClinVar variation 3727744 (VCV003727744.2).